The following is an entry in ClinVar:

ClinVar aggregate classification (germline): Uncertain significance (1 of 4 stars; one submission).

Conditions:
Dyskeratosis congenita. Identifiers: Orphanet 1775, MedGen C0265965, MONDO:0015780.

gnomAD v4.1: 1 of 1,610,982 alleles (0.000062%); no homozygotes.

Submission:

Labcorp Genetics (formerly Invitae), Labcorp
Classification: Uncertain significance for Dyskeratosis congenita. Last evaluated: 2022-03-31. Review status: criteria provided, single submitter. Criteria: Invitae Variant Classification Sherloc (09022015). Collection method: clinical testing. Allele origin: germline.
Comment: In summary, the available evidence is currently insufficient to determine the role of this variant in disease. Therefore, it has been classified as a Variant of Uncertain Significance. Algorithms developed to predict the effect of missense changes on protein structure and function output the following: SIFT: "Tolerated"; PolyPhen-2: "Benign"; Align-GVGD: "Class C0". The arginine amino acid residue is found in multiple mammalian species, which suggests that this missense change does not adversely affect protein function. This variant has not been reported in the literature in individuals affected with CTC1-related conditions. This variant is not present in population databases (gnomAD no frequency). This sequence change replaces histidine, which is basic and polar, with arginine, which is basic and polar, at codon 156 of the CTC1 protein (p.His156Arg).

NM_025099.6(CTC1):c.467A>G (p.His156Arg)

Gene: CTC1 (CST telomere replication complex component 1; minus strand). Cytogenetic location: 17p13.1.
Variant type: single nucleotide variant.
Coding change: c.467A>G on transcript NM_025099.6 (MANE Select); coding-DNA position 467, A replaced by G.
Protein change: p.His156Arg; replaces histidine 156 with arginine.
Molecular consequence: missense variant. On other transcripts: non-coding transcript variant (1).
Genome position (GRCh38, 1-based): chr17:8,238,211, T>C on the plus strand (A>G on the coding strand, the complement: CTC1 is on the minus strand). VCF-style: chr17-8238211-T-C. GRCh37 (hg19) VCF-style: chr17-8141529-T-C.
Other names: c.467A>G, p.His156Arg (NM_001411067.1); short protein forms H156R.
Identifiers: ClinVar variation 2112797 (VCV002112797.4), dbSNP rs2507948153, ClinGen allele CA397992874.